The following is an entry in ClinVar:

ClinVar aggregate classification (germline): Uncertain significance (1 of 4 stars; one submission).

Submission:

GeneDx
Classification: Uncertain significance. Last evaluated: 2025-06-10. Review status: criteria provided, single submitter. Criteria: GeneDx Variant Classification Process June 2021. Collection method: clinical testing. Allele origin: germline. Affected: yes.
Comment: Frameshift variant predicted to result in protein truncation or nonsense mediated decay in a gene for which loss-of-function is not an established mechanism of disease; Not observed at significant frequency in large population cohorts (gnomAD); Has not been previously published as pathogenic or benign to our knowledge

NM_016263.4(FZR1):c.1337dup (p.Leu447fs)

Gene: FZR1 (fizzy and cell division cycle 20 related 1; plus strand). Cytogenetic location: 19p13.3.
Variant type: Duplication.
Coding change: c.1337dup on transcript NM_016263.4 (MANE Select); coding-DNA position 1337, one base duplicated (T; older notation c.1337dupT).
Protein change: p.Leu447fs; shifts the reading frame from leucine 447.
Molecular consequence: frameshift variant.
Genome position (GRCh38, 1-based): chr19:3,533,388, T duplicated. VCF-style (leftmost placement, unchanged base first): chr19-3533387-G-GT. GRCh37 (hg19) VCF-style: chr19-3533385-G-GT.
Other names: c.1070dup, p.Leu358fs (NM_001136197.1); c.1337dup, p.Leu447fs (NM_001136198.1); short protein forms L358fs, L447fs.
Identifiers: ClinVar variation 4538007 (VCV004538007.1).